The following is an entry in ClinVar:

NM_000237.3(LPL):c.1402A>G (p.Lys468Glu)

Gene: LPL (lipoprotein lipase; plus strand). Cytogenetic location: 8p21.3.
Variant type: single nucleotide variant.
Coding change: c.1402A>G on transcript NM_000237.3 (MANE Select); coding-DNA position 1402, A replaced by G.
Protein change: p.Lys468Glu; replaces lysine 468 with glutamic acid.
Molecular consequence: missense variant.
Genome position (GRCh38, 1-based): chr8:19,962,194, A>G. VCF-style: chr8-19962194-A-G. GRCh37 (hg19) VCF-style: chr8-19819705-A-G.
Other names: short protein forms K468E.
Identifiers: ClinVar variation 3539211 (VCV003539211.1).

ClinVar aggregate classification (germline): Uncertain significance (1 of 4 stars; one submission).

Conditions:
Cardiovascular phenotype. Identifiers: MedGen CN230736.

Submission:

Ambry Genetics
Classification: Uncertain significance for Cardiovascular phenotype. Last evaluated: 2024-07-29. Review status: criteria provided, single submitter. Criteria: Ambry Variant Classification Scheme 2023. Collection method: clinical testing. Allele origin: germline.
Comment: The p.K468E variant (also known as c.1402A>G), located in coding exon 9 of the LPL gene, results from an A to G substitution at nucleotide position 1402. The lysine at codon 468 is replaced by glutamic acid, an amino acid with similar properties. This amino acid position is conserved. In addition, the in silico prediction for this alteration is inconclusive. Based on the available evidence, the clinical significance of this variant remains unclear.